The following is an entry in ClinVar:

ClinVar aggregate classification (germline): Uncertain significance (1 of 4 stars; one submission).

Conditions:
Inborn genetic diseases. Identifiers: MedGen C0950123, MeSH D030342.

gnomAD v4.1: 1 of 1,614,058 alleles (0.000062%); highest among the groups gnomAD compares: African/African-American, 0.0013%; no homozygotes.

Submission:

Ambry Genetics
Classification: Uncertain significance for Inborn genetic diseases. Last evaluated: 2025-01-13. Review status: criteria provided, single submitter. Criteria: Ambry Variant Classification Scheme 2023. Collection method: clinical testing. Allele origin: germline.
Comment: The p.K726T variant (also known as c.2177A>C), located in coding exon 13 of the ASXL1 gene, results from an A to C substitution at nucleotide position 2177. The lysine at codon 726 is replaced by threonine, an amino acid with similar properties. This amino acid position is conserved. In addition, this alteration is predicted to be tolerated by in silico analysis. Based on the available evidence, the clinical significance of this variant remains unclear.

NM_015338.6(ASXL1):c.2177A>C (p.Lys726Thr)

Gene: ASXL1 (ASXL transcriptional regulator 1; plus strand). Cytogenetic location: 20q11.21.
Variant type: single nucleotide variant.
Coding change: c.2177A>C on transcript NM_015338.6 (MANE Select); coding-DNA position 2177, A replaced by C.
Protein change: p.Lys726Thr; replaces lysine 726 with threonine.
Molecular consequence: missense variant.
Genome position (GRCh38, 1-based): chr20:32,434,889, A>C. VCF-style: chr20-32434889-A-C. GRCh37 (hg19) VCF-style: chr20-31022692-A-C.
Other names: c.1994A>C, p.Lys665Thr (NM_001363734.1); short protein forms K726T, K665T.
Identifiers: ClinVar variation 3792220 (VCV003792220.1).
Genomic context (GRCh38, chr20:32,434,889, plus strand): 5'-ATACCCAGGCCGGAACTGCCATGTCCAGAGCTAGGAGAGAGGACCTGCCTTCTCTGAGAA[A>C]GGAGGAAAGCTGCCTACTACAGAGGGCTACAGTTGGACTCACAGATGGGCTAGGAGATGC-3'
Protein context (NP_056153.2, residues 716-736): ARREDLPSLR[Lys726Thr]EESCLLQRAT